The following is an entry in ClinVar:

ClinVar aggregate classification (germline): Likely benign (1 of 4 stars; one submission).

Allele frequency attached by ClinVar (database versions not stated): TOPMed below 0.00001.
gnomAD v4.1: 22 of 1,359,170 alleles (0.0016%); highest among the groups gnomAD compares: Non-Finnish European, 0.0018%; no homozygotes.

Submission:

CeGaT Center for Human Genetics Tuebingen
Classification: Likely benign. Last evaluated: 2023-05-01. Review status: criteria provided, single submitter. Criteria: CeGaT Center For Human Genetics Tuebingen Variant Classification Criteria Version 2. Collection method: clinical testing. Allele origin: germline. Affected: yes. Observed: 1 variant allele.
Comment: AGRN: BP4

NM_198576.4(AGRN):c.727+6C>T

Genes: AGRN (agrin; plus strand), LOC129929077 (ATAC-STARR-seq lymphoblastoid silent region 23; plus strand). Cytogenetic location: 1p36.33.
Variant type: single nucleotide variant.
Coding change: c.727+6C>T on transcript NM_198576.4 (MANE Select); 6 bases into the intron after coding-DNA position 727, C replaced by T.
Molecular consequence: intron variant.
Genome position (GRCh38, 1-based): chr1:1,040,886, C>T. VCF-style: chr1-1040886-C-T. GRCh37 (hg19) VCF-style: chr1-976266-C-T.
Other names: c.727+6C>T (NM_001305275.2); c.412+6C>T (NM_001364727.2).
Identifiers: ClinVar variation 2637985 (VCV002637985.24), dbSNP rs571188886, ClinGen allele CA520659416.